The following is an entry in ClinVar:

NM_004064.5(CDKN1B):c.586C>T (p.Arg196Cys)

Gene: CDKN1B (cyclin dependent kinase inhibitor 1B; plus strand). Cytogenetic location: 12p13.1.
Variant type: single nucleotide variant.
Coding change: c.586C>T on transcript NM_004064.5 (MANE Select); coding-DNA position 586, C replaced by T.
Protein change: p.Arg196Cys; replaces arginine 196 with cysteine.
Molecular consequence: missense variant.
Genome position (GRCh38, 1-based): chr12:12,718,935, C>T. VCF-style: chr12-12718935-C-T. GRCh37 (hg19) VCF-style: chr12-12871869-C-T.
Other names: short protein forms R196C.
Identifiers: ClinVar variation 404274 (VCV000404274.16), dbSNP rs766315004, ClinGen allele CA6457576.

ClinVar aggregate classification (germline): Uncertain significance. Review status: criteria provided, multiple submitters, no conflicts (2 of 4 stars). 3 submissions from 3 submitters: Uncertain significance (3). Last evaluated 2025-05-04.

Conditions:
Hereditary cancer-predisposing syndrome. Also called: Tumor predisposition; Neoplastic Syndromes, Hereditary; Hereditary Cancer Syndrome; Hereditary neoplastic syndrome. Identifiers: Orphanet 140162, MedGen C0027672, MeSH D009386, MONDO:0015356.
Multiple endocrine neoplasia type 4. Also called: MULTIPLE ENDOCRINE NEOPLASIA, TYPE IV. Identifiers: Orphanet 276152, MedGen C1970712, MONDO:0012552, OMIM 610755.

Allele frequency attached by ClinVar (database versions not stated): gnomAD exomes below 0.00001 and 0.00001; ExAC 0.00001; TOPMed 0.00001.
gnomAD v4.1: 10 of 1,613,918 alleles (0.00062%); highest among the groups gnomAD compares: South Asian, 0.0011%; no homozygotes.

Submissions (3):

Labcorp Genetics (formerly Invitae), Labcorp
Classification: Uncertain significance for Multiple endocrine neoplasia type 4. Last evaluated: 2025-05-04. Review status: criteria provided, single submitter. Criteria: Invitae Variant Classification Sherloc (09022015). Collection method: clinical testing. Allele origin: germline.
Comment: This sequence change replaces arginine, which is basic and polar, with cysteine, which is neutral and slightly polar, at codon 196 of the CDKN1B protein (p.Arg196Cys). This variant is present in population databases (rs766315004, gnomAD 0.002%). This variant has not been reported in the literature in individuals affected with CDKN1B-related conditions. ClinVar contains an entry for this variant (Variation ID: 404274). An algorithm developed to predict the effect of missense changes on protein structure and function (PolyPhen-2) suggests that this variant is likely to be disruptive. In summary, the available evidence is currently insufficient to determine the role of this variant in disease. Therefore, it has been classified as a Variant of Uncertain Significance.

Ambry Genetics
Classification: Uncertain significance for Hereditary cancer-predisposing syndrome. Last evaluated: 2024-10-10. Review status: criteria provided, single submitter. Criteria: Ambry Variant Classification Scheme 2023. Collection method: clinical testing. Allele origin: germline.
Comment: The p.R196C variant (also known as c.586C>T), located in coding exon 2 of the CDKN1B gene, results from a C to T substitution at nucleotide position 586. The arginine at codon 196 is replaced by cysteine, an amino acid with highly dissimilar properties. This amino acid position is conserved. In addition, this alteration is predicted to be tolerated by in silico analysis. Based on the available evidence, the clinical significance of this variant remains unclear.

Baylor Genetics
Classification: Uncertain significance for Multiple endocrine neoplasia type 4. Last evaluated: 2023-06-15. Review status: criteria provided, single submitter. Criteria: ACMG Guidelines, 2015. Collection method: clinical testing. Allele origin: unknown.

Literature cited by the submitters: PubMed 32621582 (cited by Ambry Genetics).